The following is an entry in ClinVar:

ClinVar aggregate classification (germline): Uncertain significance (1 of 4 stars; one submission).

Conditions:
SPTAN1-related disorder. Also called: SPTAN1-related condition; SPTAN1-related disorders.

Submission:

3billion
Classification: Uncertain significance for SPTAN1-related disorder. Last evaluated: 2024-11-25. Review status: criteria provided, single submitter. Criteria: ACMG Guidelines, 2015. Collection method: clinical testing. Allele origin: germline. Affected: yes.
Comment: The variant is not observed in the gnomAD v4.1.0 dataset. Predicted Consequence/Location: Intron variant In silico tools predict the variant to alter splicing and produce an abnormal transcript [SpliceAI: 0.51 (>=0.2, moderate evidence for spliceogenicity)]. Therefore, this variant is classified as VUS according to the recommendation of ACMG/AMP guideline.

NM_001130438.3(SPTAN1):c.4759-8_4759-3del

Gene: SPTAN1 (spectrin alpha, non-erythrocytic 1; plus strand). Cytogenetic location: 9q34.11.
Variant type: Deletion.
Coding change: c.4759-8_4759-3del on transcript NM_001130438.3 (MANE Select); 8 bases into the intron before coding-DNA position 4759 through 3 bases into the intron before coding-DNA position 4759, 6 bases deleted (TTTTGT; older notation c.4759-8_4759-3delTTTTGT).
Molecular consequence: intron variant.
Genome position (GRCh38, 1-based): chr9:128,609,643-128,609,648, TTTTGT deleted; deleting any 6 consecutive bases within chr9:128,609,640-128,609,648 gives the same sequence; the c. name uses the placement nearest the transcript's 3' end. VCF-style (leftmost placement, unchanged base first): chr9-128609639-CTGTTTT-C. GRCh37 (hg19) VCF-style: chr9-131371918-CTGTTTT-C.
Other names: c.4795-8_4795-3del (NM_001375318.1, NM_001375312.2, NM_001438440.1); c.4759-8_4759-3del (NM_001375311.2, NM_001375310.1, NM_001363759.2 and 1 more transcripts); c.4699-8_4699-3del (NM_001375314.2, NM_001363765.2, NM_001438442.1); c.4758+359_4758+364del (NM_001438445.1, NM_003127.4, NM_001438443.1); c.4698+359_4698+364del (NM_001438444.1, NM_001195532.2, NM_001438441.1).
Identifiers: ClinVar variation 4293459 (VCV004293459.1).
Genomic context (GRCh38, chr9:128,609,639, plus strand): 5'-TTCTATTTAATAGCTGATATGTGTGTCCACATCAGTGTACTGAACTCTTGTTCTTTTAAT[CTGTTTT>C]TGTAGCTTTCCAAGCTGCTGGTAAGTTTTTAATTTTTTTAAGAGTTGTAGTTAAATGAGC-3'